The following is an entry in ClinVar:

ClinVar aggregate classification (germline): Uncertain significance (1 of 4 stars; one submission).

Allele frequency attached by ClinVar (database versions not stated): gnomAD exomes 0.00001.

Submission:

Labcorp Genetics (formerly Invitae), Labcorp
Classification: Uncertain significance. Last evaluated: 2022-05-06. Review status: criteria provided, single submitter. Criteria: Invitae Variant Classification Sherloc (09022015). Collection method: clinical testing. Allele origin: germline.
Comment: This sequence change replaces phenylalanine, which is neutral and non-polar, with serine, which is neutral and polar, at codon 55 of the PLOD3 protein (p.Phe55Ser). This variant is not present in population databases (gnomAD no frequency). This variant has not been reported in the literature in individuals affected with PLOD3-related conditions. Algorithms developed to predict the effect of missense changes on protein structure and function are either unavailable or do not agree on the potential impact of this missense change (SIFT: "Deleterious"; PolyPhen-2: "Possibly Damaging"; Align-GVGD: "Class C0"). In summary, the available evidence is currently insufficient to determine the role of this variant in disease. Therefore, it has been classified as a Variant of Uncertain Significance.

NM_001084.5(PLOD3):c.164T>C (p.Phe55Ser)

Gene: PLOD3 (procollagen-lysine,2-oxoglutarate 5-dioxygenase 3; minus strand). Cytogenetic location: 7q22.1.
Variant type: single nucleotide variant.
Coding change: c.164T>C on transcript NM_001084.5 (MANE Select); coding-DNA position 164, T replaced by C.
Protein change: p.Phe55Ser; replaces phenylalanine 55 with serine.
Molecular consequence: missense variant.
Genome position (GRCh38, 1-based): chr7:101,216,732, A>G on the plus strand (T>C on the coding strand, the complement: PLOD3 is on the minus strand). VCF-style: chr7-101216732-A-G. GRCh37 (hg19) VCF-style: chr7-100860013-A-G.
Other names: short protein forms F55S.
Identifiers: ClinVar variation 1371540 (VCV001371540.5), dbSNP rs1798283169, ClinGen allele CA368626955.
Genomic context (GRCh38, chr7:101,216,732, plus strand): 5'-CAGGGGCCTTTCCCTCTCCTCACCCGCACAGTGTAGTTGAAGAACTCCGCAGAGCGCAGG[A>G]AACGCAGGTACCCCTCGGTTTCAGCTGTGGCCACAGTGATCACCAGCAGCTTCTCTGTTA-3'
Protein context (NP_001075.1, residues 45-65): ATAETEGYLR[Phe55Ser]LRSAEFFNYT